The following is an entry in ClinVar:

NM_018723.4(RBFOX1):c.353G>A (p.Arg118Gln)

Genes: RBFOX1 (RNA binding fox-1 homolog 1; plus strand), LOC126862278 (CDK7 strongly-dependent group 2 enhancer GRCh37_chr16:7629446-7630645; plus strand). Cytogenetic location: 16p13.3.
Variant type: single nucleotide variant.
Coding change: c.353G>A on transcript NM_018723.4 (MANE Select); coding-DNA position 353, G replaced by A.
Protein change: p.Arg118Gln; replaces arginine 118 with glutamine.
Molecular consequence: missense variant.
Genome position (GRCh38, 1-based): chr16:7,579,859, G>A. VCF-style: chr16-7579859-G-A. GRCh37 (hg19) VCF-style: chr16-7629861-G-A.
Other names: c.353G>A, p.Arg118Gln (NM_001142333.2, NM_001142334.2, NM_001364800.2); c.482G>A, p.Arg161Gln (NM_001308117.1); c.413G>A, p.Arg138Gln (NM_145891.3, NM_145892.3, NM_145893.3); short protein forms R118Q, R138Q, R161Q.
Identifiers: ClinVar variation 383748 (VCV000383748.12), dbSNP rs1057521725, ClinGen allele CA16607419.

ClinVar aggregate classification (germline): Conflicting classifications of pathogenicity. Review status: criteria provided, conflicting classifications (1 of 4 stars). 6 submissions from 6 submitters: Pathogenic (2); Likely pathogenic (1); Uncertain significance (3). Last evaluated 2025-09-10.

Conditions:
Inborn genetic diseases. Identifiers: MedGen C0950123, MeSH D030342.
Neurodevelopmental disorder. Identifiers: MedGen C1535926, MeSH D065886, MONDO:0700092.
Intellectual developmental disorder, autosomal dominant 46. Also called: MENTAL RETARDATION, AUTOSOMAL DOMINANT 46; Intellectual disability, autosomal dominant 46. Identifiers: MedGen C4539851, MONDO:0030911, OMIM 617601.
Idiopathic generalized epilepsy. Also called: Generalised epilepsy; EIG. Identifiers: MedGen C0270850, MONDO:0005579, OMIM 600669.

Submissions (6):

Genomic Medicine Center of Excellence, King Faisal Specialist Hospital and Research Centre
Classification: Likely pathogenic for Intellectual developmental disorder, autosomal dominant 46. Last evaluated: 2025-09-10. Review status: criteria provided, single submitter. Criteria: ACMG Guidelines, 2015. Collection method: clinical testing. Allele origin: germline.

Victorian Clinical Genetics Services, Murdoch Childrens Research Institute
Classification: Pathogenic for Neurodevelopmental disorder. Last evaluated: 2025-02-04. Review status: criteria provided, single submitter. Criteria: ACMG Guidelines, 2015. Collection method: clinical testing. Allele origin: germline. Affected: yes.
Comment: This variant is classified as Pathogenic. Evidence in support of pathogenic classification: Variant is absent from gnomAD (v2, v3 and v4); This variant has strong previous evidence of pathogenicity in unrelated individuals. This variant has been classified as pathogenic by a diagnostic laboratory in ClinVar, as well as older VUS entries. This variant has been reported in the literature as de novo in multiple individuals with neurodevelopmental disorder and seizures (PMID: 37962958); This variant has moderate functional evidence supporting abnormal protein function. Functional analysis using an in vitro minigene assay showed this variant disrupts the wildtype splicing function of RBFOX1, leading to impaired isoform expression of TrkB.FL (PMID: 37962958); Additional information: Variant is predicted to result in a missense amino acid change from arginine to glutamine; This variant is heterozygous; This gene is associated with autosomal dominant disease; Variant is located in the annotated RNA recognition motif (PMID: 37962958); Missense variant with inconclusive in silico prediction and uninformative conservation; The mechanism of disease for this gene is not clearly established. However, loss of function is a suggested mechanism (PMID: 37962958); Variants in this gene are known to have variable expressivity (PMID: 37962958).

Ambry Genetics
Classification: Pathogenic for Inborn genetic diseases. Last evaluated: 2024-01-10. Review status: criteria provided, single submitter. Criteria: Ambry Variant Classification Scheme 2023. Collection method: clinical testing. Allele origin: germline.
Comment: The c.413G>A (p.R138Q) alteration is located in exon 3 (coding exon 3) of the RBFOX1 gene. This alteration results from a G to A substitution at nucleotide position 413, causing the arginine (R) at amino acid position 138 to be replaced by a glutamine (Q). This variant was not reported in population-based cohorts in the Genome Aggregation Database (gnomAD). This variant (also known as c.353G>A p.R118Q) has been determined to be the result of a de novo mutation in multiple individuals with features consistent with RBFOX1-related neurodevelopmental disorder (Li, 2024). This amino acid position is highly conserved in available vertebrate species. Functional analysis utilizing an in vitro minigene system has shown that p.R138Q (also known as p.R118Q) impairs splicing function (Li, 2024). This alteration is predicted to be deleterious by in silico analysis. Based on the available evidence, this alteration is classified as pathogenic.

Labcorp Genetics (formerly Invitae), Labcorp
Classification: Uncertain significance for Idiopathic generalized epilepsy. Last evaluated: 2023-07-13. Review status: criteria provided, single submitter. Criteria: Invitae Variant Classification Sherloc (09022015). Collection method: clinical testing. Allele origin: germline.
Comment: This variant is not present in population databases (gnomAD no frequency). This sequence change replaces arginine, which is basic and polar, with glutamine, which is neutral and polar, at codon 138 of the RBFOX1 protein (p.Arg138Gln). This variant has not been reported in the literature in individuals affected with RBFOX1-related conditions. ClinVar contains an entry for this variant (Variation ID: 383748). In summary, the available evidence is currently insufficient to determine the role of this variant in disease. Therefore, it has been classified as a Variant of Uncertain Significance. Advanced modeling of protein sequence and biophysical properties (such as structural, functional, and spatial information, amino acid conservation, physicochemical variation, residue mobility, and thermodynamic stability) performed at Invitae indicates that this missense variant is expected to disrupt RBFOX1 protein function.

GeneDx
Classification: Uncertain significance. Last evaluated: 2023-06-08. Review status: criteria provided, single submitter. Criteria: GeneDx Variant Classification Process June 2021. Collection method: clinical testing. Allele origin: germline. Affected: yes.
Comment: In silico analysis supports that this missense variant has a deleterious effect on protein structure/function; Not observed at significant frequency in large population cohorts (gnomAD); Has not been previously published as pathogenic or benign to our knowledge; Variants in candidate genes are classified as variants of uncertain significance in accordance with ACMG guidelines (Richards et al., 2015)

Revvity Omics, Revvity
Classification: Uncertain significance. Last evaluated: 2020-10-27. Review status: criteria provided, single submitter. Criteria: ACMG Guidelines, 2015. Collection method: clinical testing. Allele origin: germline.

Literature cited by the submitters: PubMed 37962958 (cited by Victorian Clinical Genetics Services, Murdoch Childrens Research Institute and Ambry Genetics).